The following is an entry in ClinVar:

ClinVar aggregate classification (germline): Uncertain significance (1 of 4 stars; one submission).

Conditions:
Dilated cardiomyopathy 1DD (CMD1DD). Identifiers: Orphanet 154, MedGen C2750995, MONDO:0013168, OMIM 613172.

Allele frequency attached by ClinVar (database versions not stated): TOPMed below 0.00001.

Submission:

Labcorp Genetics (formerly Invitae), Labcorp
Classification: Uncertain significance for Dilated cardiomyopathy 1DD. Last evaluated: 2022-02-03. Review status: criteria provided, single submitter. Criteria: Invitae Variant Classification Sherloc (09022015). Collection method: clinical testing. Allele origin: germline.
Comment: This sequence change replaces glutamine, which is neutral and polar, with arginine, which is basic and polar, at codon 42 of the RBM20 protein (p.Gln42Arg). In summary, the available evidence is currently insufficient to determine the role of this variant in disease. Therefore, it has been classified as a Variant of Uncertain Significance. Advanced modeling of protein sequence and biophysical properties (such as structural, functional, and spatial information, amino acid conservation, physicochemical variation, residue mobility, and thermodynamic stability) performed at Invitae indicates that this missense variant is not expected to disrupt RBM20 protein function. This variant has not been reported in the literature in individuals affected with RBM20-related conditions. This variant is not present in population databases (gnomAD no frequency).

NM_001134363.3(RBM20):c.125A>G (p.Gln42Arg)

Gene: RBM20 (RNA binding motif protein 20; plus strand). Cytogenetic location: 10q25.2.
Variant type: single nucleotide variant.
Coding change: c.125A>G on transcript NM_001134363.3 (MANE Select); coding-DNA position 125, A replaced by G.
Protein change: p.Gln42Arg; replaces glutamine 42 with arginine.
Molecular consequence: missense variant.
Genome position (GRCh38, 1-based): chr10:110,644,579, A>G. VCF-style: chr10-110644579-A-G. GRCh37 (hg19) VCF-style: chr10-112404337-A-G.
Other names: short protein forms Q42R.
Identifiers: ClinVar variation 1465608 (VCV001465608.8), dbSNP rs1861840028, ClinGen allele CA378527769.
Genomic context (GRCh38, chr10:110,644,579, plus strand): 5'-TTGCCTGCAGTGTGCCTGGTGCCCGGGCGTCCCCGGCACCCTCCGGCCCGCGAGGGATGC[A>G]GCAGCCGCCGCCGCCGCCCCAGCCACCGCCCCCGCCCCAAGCCGGCCTACCCCAGATCAT-3'
Protein context (NP_001127835.2, residues 32-52): SPAPSGPRGM[Gln42Arg]QPPPPPQPPP